The following is an entry in ClinVar:

NM_002905.5(RDH5):c.620T>C (p.Phe207Ser)

Genes: BLOC1S1-RDH5 (BLOC1S1-RDH5 readthrough; plus strand), CD63 (CD63 molecule; minus strand), RDH5 (retinol dehydrogenase 5; plus strand). Cytogenetic location: 12q13.2.
Variant type: single nucleotide variant.
Coding change: c.620T>C on transcript NM_002905.5 (MANE Select); coding-DNA position 620, T replaced by C.
Protein change: p.Phe207Ser; replaces phenylalanine 207 with serine.
Molecular consequence: missense variant. On other transcripts: non-coding transcript variant (1).
Genome position (GRCh38, 1-based): chr12:55,723,936, T>C. VCF-style: chr12-55723936-T-C. GRCh37 (hg19) VCF-style: chr12-56117720-T-C.
Other names: c.620T>C, p.Phe207Ser (NM_001199771.3); short protein forms F207S.
Identifiers: ClinVar variation 1462420 (VCV001462420.6), dbSNP rs2136142107, ClinGen allele CA385202034.

ClinVar aggregate classification (germline): Uncertain significance (1 of 4 stars; one submission).

Submission:

Labcorp Genetics (formerly Invitae), Labcorp
Classification: Uncertain significance. Last evaluated: 2022-10-13. Review status: criteria provided, single submitter. Criteria: Invitae Variant Classification Sherloc (09022015). Collection method: clinical testing. Allele origin: germline.
Comment: In summary, the available evidence is currently insufficient to determine the role of this variant in disease. Therefore, it has been classified as a Variant of Uncertain Significance. Advanced modeling of protein sequence and biophysical properties (such as structural, functional, and spatial information, amino acid conservation, physicochemical variation, residue mobility, and thermodynamic stability) performed at Invitae indicates that this missense variant is expected to disrupt RDH5 protein function. ClinVar contains an entry for this variant (Variation ID: 1462420). This missense change has been observed in individual(s) with fundus albipunctatus (Invitae). This variant is not present in population databases (gnomAD no frequency). This sequence change replaces phenylalanine, which is neutral and non-polar, with serine, which is neutral and polar, at codon 207 of the RDH5 protein (p.Phe207Ser).